The following is an entry in ClinVar:

ClinVar aggregate classification (germline): Uncertain significance (1 of 4 stars; one submission).

Conditions:
Hereditary cancer-predisposing syndrome. Also called: Hereditary neoplastic syndrome; Hereditary Cancer Syndrome; Neoplastic Syndromes, Hereditary; Tumor predisposition. Identifiers: Orphanet 140162, MedGen C0027672, MeSH D009386, MONDO:0015356.

Allele frequency attached by ClinVar (database versions not stated): gnomAD exomes below 0.00001.
gnomAD v4.1: 1 of 1,614,156 alleles (0.000062%); highest among the groups gnomAD compares: Non-Finnish European, 0.000085%; no homozygotes.

Submission:

Ambry Genetics
Classification: Uncertain significance for Hereditary cancer-predisposing syndrome. Last evaluated: 2023-06-01. Review status: criteria provided, single submitter. Criteria: Ambry Variant Classification Scheme 2023. Collection method: clinical testing. Allele origin: germline.
Comment: The p.Y1096H variant (also known as c.3286T>C), located in coding exon 20 of the ALK gene, results from a T to C substitution at nucleotide position 3286. The tyrosine at codon 1096 is replaced by histidine, an amino acid with similar properties. This amino acid position is conserved. In addition, this alteration is predicted to be deleterious by in silico analysis. Since supporting evidence is limited at this time, the clinical significance of this alteration remains unclear.

NM_004304.5(ALK):c.3286T>C (p.Tyr1096His)

Gene: ALK (ALK receptor tyrosine kinase; minus strand). Cytogenetic location: 2p23.2.
Variant type: single nucleotide variant.
Coding change: c.3286T>C on transcript NM_004304.5 (MANE Select); coding-DNA position 3286, T replaced by C.
Protein change: p.Tyr1096His; replaces tyrosine 1096 with histidine.
Molecular consequence: missense variant.
Genome position (GRCh38, 1-based): chr2:29,223,415, A>G on the plus strand (T>C on the coding strand, the complement: ALK is on the minus strand). VCF-style: chr2-29223415-A-G. GRCh37 (hg19) VCF-style: chr2-29446281-A-G.
Other names: c.82T>C, p.Tyr28His (NM_001353765.2); short protein forms Y28H, Y1096H.
Identifiers: ClinVar variation 2566607 (VCV002566607.2), dbSNP rs2148170875, ClinGen allele CA346464909.